The following is an entry in ClinVar:

NM_007194.4(CHEK2):c.1109G>C (p.Gly370Ala)

Gene: CHEK2 (checkpoint kinase 2; minus strand). Cytogenetic location: 22q12.1.
Variant type: single nucleotide variant.
Coding change: c.1109G>C on transcript NM_007194.4 (MANE Select); coding-DNA position 1109, G replaced by C.
Protein change: p.Gly370Ala; replaces glycine 370 with alanine.
Molecular consequence: missense variant.
Genome position (GRCh38, 1-based): chr22:28,695,860, C>G on the plus strand (G>C on the coding strand, the complement: CHEK2 is on the minus strand). VCF-style: chr22-28695860-C-G. GRCh37 (hg19) VCF-style: chr22-29091848-C-G.
Other names: c.1238G>C, p.Gly413Ala (NM_001005735.3); c.446G>C, p.Gly149Ala (NM_001257387.3); c.908G>C, p.Gly303Ala (NM_001349956.3); c.1022G>C, p.Gly341Ala (NM_145862.3); short protein forms G303A, G341A, G413A, G370A, G149A.
Identifiers: ClinVar variation 960505 (VCV000960505.9), dbSNP rs587780166, ClinGen allele CA411097139.
Genomic context (GRCh38, chr22:28,695,860, plus strand): 5'-TAGGTGGGGGTTCCACATAAGGTTCTCATGAGAGAGGTCTCTCCCAAAATCTTGGAGTGC[C>G]CAAAATCAGTAATCTAAAATTCAGTACAAAAGGGAATAATGTTGAACTTGCCATAAAATA-3'
Protein context (NP_009125.1, residues 360-380): EDCLIKITDF[Gly370Ala]HSKILGETSL

ClinVar aggregate classification (germline): Uncertain significance. Review status: criteria provided, multiple submitters, no conflicts (2 of 4 stars). 2 submissions from 2 submitters: Uncertain significance (2). Last evaluated 2025-03-04.

Conditions:
Familial cancer of breast. Also called: BREAST CANCER, FAMILIAL; Hereditary breast cancer; hereditary breast carcinoma. Identifiers: Orphanet 227535, MedGen C0346153, MONDO:0016419, OMIM 114480. Disease mechanism: loss of function.

Submissions (2):

Center for Genomic Medicine, Rigshospitalet, Copenhagen University Hospital
Classification: Uncertain significance. Last evaluated: 2025-03-04. Review status: criteria provided, single submitter. Criteria: ACMG Guidelines, 2015. Collection method: clinical testing. Allele origin: germline.

Labcorp Genetics (formerly Invitae), Labcorp
Classification: Uncertain significance for Familial cancer of breast. Last evaluated: 2021-08-28. Review status: criteria provided, single submitter. Criteria: Invitae Variant Classification Sherloc (09022015). Collection method: clinical testing. Allele origin: germline.
Comment: This sequence change replaces glycine with alanine at codon 370 of the CHEK2 protein (p.Gly370Ala). The glycine residue is highly conserved and there is a small physicochemical difference between glycine and alanine. This variant is not present in population databases (ExAC no frequency). This variant has not been reported in the literature in individuals affected with CHEK2-related conditions. Algorithms developed to predict the effect of missense changes on protein structure and function are either unavailable or do not agree on the potential impact of this missense change (SIFT: "Deleterious"; PolyPhen-2: "Probably Damaging"; Align-GVGD: "Class C0"). In summary, the available evidence is currently insufficient to determine the role of this variant in disease. Therefore, it has been classified as a Variant of Uncertain Significance.

Literature cited by the submitters: PubMed 37449874 (cited by Center for Genomic Medicine, Rigshospitalet, Copenhagen University Hospital); PubMed 30851065 (cited by Center for Genomic Medicine, Rigshospitalet, Copenhagen University Hospital).